The following is an entry in ClinVar:

NM_015973.5(GAL):c.202C>T (p.Pro68Ser)

Gene: GAL (galanin and GMAP prepropeptide; plus strand). Cytogenetic location: 11q13.2.
Variant type: single nucleotide variant.
Coding change: c.202C>T on transcript NM_015973.5 (MANE Select); coding-DNA position 202, C replaced by T.
Protein change: p.Pro68Ser; replaces proline 68 with serine.
Molecular consequence: missense variant.
Genome position (GRCh38, 1-based): chr11:68,688,079, C>T. VCF-style: chr11-68688079-C-T. GRCh37 (hg19) VCF-style: chr11-68455547-C-T.
Other names: short protein forms P68S.
Identifiers: ClinVar variation 1018689 (VCV001018689.7), dbSNP rs1945870960, ClinGen allele CA381633711.

ClinVar aggregate classification (germline): Uncertain significance (1 of 4 stars; one submission).

Conditions:
Familial temporal lobe epilepsy 8. Identifiers: Orphanet 101046, MedGen C4225318, MONDO:0014650, OMIM 616461.

Submission:

Labcorp Genetics (formerly Invitae), Labcorp
Classification: Uncertain significance for Familial temporal lobe epilepsy 8. Last evaluated: 2020-01-02. Review status: criteria provided, single submitter. Criteria: Invitae Variant Classification Sherloc (09022015). Collection method: clinical testing. Allele origin: germline.
Comment: This variant has not been reported in the literature in individuals with GAL-related conditions. This sequence change replaces proline with serine at codon 68 of the GAL protein (p.Pro68Ser). The proline residue is moderately conserved and there is a moderate physicochemical difference between proline and serine. This variant is not present in population databases (ExAC no frequency). Algorithms developed to predict the effect of missense changes on protein structure and function are either unavailable or do not agree on the potential impact of this missense change (SIFT: "Not Available"; PolyPhen-2: "Possibly Damaging"; Align-GVGD: "Not Available"). In summary, the available evidence is currently insufficient to determine the role of this variant in disease. Therefore, it has been classified as a Variant of Uncertain Significance.